The following is an entry in ClinVar:

ClinVar aggregate classification (germline): Uncertain significance (1 of 4 stars; one submission).

Conditions:
Short-rib thoracic dysplasia 14 with polydactyly (SRTD14). Identifiers: Orphanet 397715, MedGen C4225286, MONDO:0014688, OMIM 616546.
Joubert syndrome 23 (JBTS23). Identifiers: Orphanet 475, MedGen C4084822, MONDO:0014664, OMIM 616490.

Allele frequency attached by ClinVar (database versions not stated): gnomAD exomes below 0.00001; gnomAD 0.00001; TOPMed 0.00001.
gnomAD v4.1: 3 of 1,613,646 alleles (0.00019%); highest among the groups gnomAD compares: Admixed American, 0.0017%; no homozygotes.

Submission:

Labcorp Genetics (formerly Invitae), Labcorp
Classification: Uncertain significance for Joubert syndrome 23; Short-rib thoracic dysplasia 14 with polydactyly. Last evaluated: 2022-04-28. Review status: criteria provided, single submitter. Criteria: Invitae Variant Classification Sherloc (09022015). Collection method: clinical testing. Allele origin: germline.
Comment: This sequence change replaces proline, which is neutral and non-polar, with leucine, which is neutral and non-polar, at codon 1177 of the KIAA0586 protein (p.Pro1177Leu). This variant is not present in population databases (gnomAD no frequency). This variant has not been reported in the literature in individuals affected with KIAA0586-related conditions. Algorithms developed to predict the effect of missense changes on protein structure and function output the following: SIFT: "Tolerated"; PolyPhen-2: "Benign"; Align-GVGD: "Class C0". The leucine amino acid residue is found in multiple mammalian species, which suggests that this missense change does not adversely affect protein function. In summary, the available evidence is currently insufficient to determine the role of this variant in disease. Therefore, it has been classified as a Variant of Uncertain Significance.

NM_001329943.3(KIAA0586):c.3371C>T (p.Pro1124Leu)

Gene: KIAA0586 (KIAA0586; plus strand). Cytogenetic location: 14q23.1.
Variant type: single nucleotide variant.
Coding change: c.3371C>T on transcript NM_001329943.3 (MANE Select); coding-DNA position 3371, C replaced by T.
Protein change: p.Pro1124Leu; replaces proline 1124 with leucine.
Molecular consequence: missense variant.
Genome position (GRCh38, 1-based): chr14:58,487,953, C>T. VCF-style: chr14-58487953-C-T. GRCh37 (hg19) VCF-style: chr14-58954671-C-T.
Other names: c.3530C>T, p.Pro1177Leu (NM_001244189.2); c.3326C>T, p.Pro1109Leu (NM_001244190.2); c.3116C>T, p.Pro1039Leu (NM_001244191.2, NM_001329945.2, NM_001364700.1 and 1 more transcripts); c.3239C>T, p.Pro1080Leu (NM_001244192.2); c.2951C>T, p.Pro984Leu (NM_001244193.2); c.3371C>T, p.Pro1124Leu (NM_001329944.2, NM_001329946.2, NM_001329947.2); c.3143C>T, p.Pro1048Leu (NM_014749.5); short protein forms P1048L, P1109L, P1124L, P984L, P1039L, P1080L, P1177L.
Identifiers: ClinVar variation 2141866 (VCV002141866.1), dbSNP rs2042579877, ClinGen allele CA389881783.